The following is an entry in ClinVar:

ClinVar aggregate classification (germline): Benign. Review status: criteria provided, multiple submitters, no conflicts (2 of 4 stars). 4 submissions from 4 submitters: Benign (2). 2 of the submissions do not count toward it. Last evaluated 2026-01-31.

Conditions:
Joubert syndrome. Also called: CEREBELLOPARENCHYMAL DISORDER IV; JOUBERT-BOLTSHAUSER SYNDROME; Familial aplasia of the vermis. Identifiers: Orphanet 475, MedGen C5979921, MONDO:0018772.

Allele frequency attached by ClinVar (database versions not stated): gnomAD exomes 0.00217; ExAC 0.00502; gnomAD 0.00863 and 0.00926; ESP Exome Variant Server 0.00914; TOPMed 0.00971; 1000 Genomes Project 0.01118; 1000 Genomes Project 30x 0.01140.
gnomAD v4.1: 2,512 of 1,490,748 alleles (0.17%); highest among the groups gnomAD compares: African/African-American, 2.9%; 31 homozygotes.

Submissions (4):

Labcorp Genetics (formerly Invitae), Labcorp
Classification: Benign for Joubert syndrome. Last evaluated: 2026-01-31. Review status: criteria provided, single submitter. Criteria: Invitae Variant Classification Sherloc (09022015). Collection method: clinical testing. Allele origin: germline.

GeneDx
Classification: Benign. Last evaluated: 2017-01-24. Review status: criteria provided, single submitter. Criteria: GeneDx Variant Classification (06012015). Collection method: clinical testing. Allele origin: germline. Affected: yes.
Comment: This variant is considered likely benign or benign based on one or more of the following criteria: it is a conservative change, it occurs at a poorly conserved position in the protein, it is predicted to be benign by multiple in silico algorithms, and/or has population frequency not consistent with disease.

Clinical Genetics DNA and cytogenetics Diagnostics Lab, Erasmus MC, Erasmus Medical Center
Classification: Likely benign. Review status: no assertion criteria provided. Collection method: clinical testing. Allele origin: germline. Affected: yes. Study: VKGL Data-share Consensus. Not counted in ClinVar's aggregate classification.

Genome Diagnostics Laboratory, University Medical Center Utrecht
Classification: Likely benign. Review status: no assertion criteria provided. Collection method: clinical testing. Allele origin: germline. Affected: yes. Study: VKGL Data-share Consensus. Not counted in ClinVar's aggregate classification.

NM_019892.6(INPP5E):c.1387+19C>T

Gene: INPP5E (inositol polyphosphate-5-phosphatase E; minus strand). Cytogenetic location: 9q34.3.
Variant type: single nucleotide variant.
Coding change: c.1387+19C>T on transcript NM_019892.6 (MANE Select); 19 bases into the intron after coding-DNA position 1387, C replaced by T.
Molecular consequence: intron variant.
Genome position (GRCh38, 1-based): chr9:136,432,460, G>A on the plus strand (C>T on the coding strand, the complement: INPP5E is on the minus strand). VCF-style: chr9-136432460-G-A. GRCh37 (hg19) VCF-style: chr9-139326912-G-A.
Other names: c.1384+19C>T (NM_001318502.2).
Identifiers: ClinVar variation 516210 (VCV000516210.9), dbSNP rs114698406, ClinGen allele CA5336827.